The following is an entry in ClinVar:

ClinVar aggregate classification (germline): Uncertain significance (1 of 4 stars; one submission).

Allele frequency attached by ClinVar (database versions not stated): gnomAD exomes 0.00003; TOPMed 0.00001; ExAC 0.00002.
gnomAD v4.1: 49 of 1,612,978 alleles (0.003%); highest among the groups gnomAD compares: South Asian, 0.018%; no homozygotes.

Submission:

Labcorp Genetics (formerly Invitae), Labcorp
Classification: Uncertain significance. Last evaluated: 2025-08-04. Review status: criteria provided, single submitter. Criteria: Invitae Variant Classification Sherloc (09022015). Collection method: clinical testing. Allele origin: germline.
Comment: This sequence change replaces arginine, which is basic and polar, with tryptophan, which is neutral and slightly polar, at codon 1000 of the AP3D1 protein (p.Arg1000Trp). This variant is present in population databases (rs753143663, gnomAD 0.01%). This variant has not been reported in the literature in individuals affected with AP3D1-related conditions. ClinVar contains an entry for this variant (Variation ID: 2955219). An algorithm developed to predict the effect of missense changes on protein structure and function (PolyPhen-2) suggests that this variant is likely to be tolerated. In summary, the available evidence is currently insufficient to determine the role of this variant in disease. Therefore, it has been classified as a Variant of Uncertain Significance.

NM_001261826.3(AP3D1):c.2998C>T (p.Arg1000Trp)

Gene: AP3D1 (adaptor related protein complex 3 subunit delta 1; minus strand). Cytogenetic location: 19p13.3.
Variant type: single nucleotide variant.
Coding change: c.2998C>T on transcript NM_001261826.3 (MANE Select); coding-DNA position 2998, C replaced by T.
Protein change: p.Arg1000Trp; replaces arginine 1000 with tryptophan.
Molecular consequence: missense variant.
Genome position (GRCh38, 1-based): chr19:2,110,884, G>A on the plus strand (C>T on the coding strand, the complement: AP3D1 is on the minus strand). VCF-style: chr19-2110884-G-A. GRCh37 (hg19) VCF-style: chr19-2110883-G-A.
Other names: c.2962C>T, p.Arg988Trp (NM_001374799.1); c.2812C>T, p.Arg938Trp (NM_003938.8); short protein forms R1000W, R938W, R988W.
Identifiers: ClinVar variation 2955219 (VCV002955219.3), dbSNP rs753143663, ClinGen allele CA9058589.
Genomic context (GRCh38, chr19:2,110,884, plus strand): 5'-TGCTCCTGTTCTCCAGCACGATGGCCACAGTGACCTGGCTGTCCTCCTGCAGACTGCCCC[G>A]GATGTCACAGGTCTGCAGGGCATGGCCAGTGTTAGCAGGGCAGGCGGGCCCGCCACAGGG-3'
Protein context (NP_001248755.1, residues 990-1010): NSYVKMTCDI[Arg1000Trp]GSLQEDSQVT